The following is an entry in ClinVar:

ClinVar aggregate classification (germline): Uncertain significance. Review status: criteria provided, multiple submitters, no conflicts (2 of 4 stars). 2 submissions from 2 submitters: Uncertain significance (2). Last evaluated 2023-09-13.

Conditions:
Inborn genetic diseases. Identifiers: MedGen C0950123, MeSH D030342.
Singleton-Merten syndrome 1 (SGMRT1). Also called: Widened medullary cavities of bone, aortic calcification, abnormal dentition, and muscular weakness; Syndrome of widened medullary cavities of the metacarpals and phalanges, aortic calcification and abnormal dentition. Identifiers: Orphanet 85191, MedGen C4225427, MONDO:0024535, OMIM 182250.
Aicardi-Goutieres syndrome 7 (AGS7). Identifiers: Orphanet 51, MedGen C3888244, MONDO:0014367, OMIM 615846.

Submissions (2):

Ambry Genetics
Classification: Uncertain significance for Inborn genetic diseases. Last evaluated: 2023-09-13. Review status: criteria provided, single submitter. Criteria: Ambry Variant Classification Scheme 2023. Collection method: clinical testing. Allele origin: germline.

Labcorp Genetics (formerly Invitae), Labcorp
Classification: Uncertain significance for Aicardi-Goutieres syndrome 7; Singleton-Merten syndrome 1. Last evaluated: 2019-11-04. Review status: criteria provided, single submitter. Criteria: Invitae Variant Classification Sherloc (09022015). Collection method: clinical testing. Allele origin: germline.
Comment: In summary, the available evidence is currently insufficient to determine the role of this variant in disease. Therefore, it has been classified as a Variant of Uncertain Significance. Algorithms developed to predict the effect of missense changes on protein structure and function output the following: SIFT: "Tolerated"; PolyPhen-2: "Benign"; Align-GVGD: "Class C0". The glutamine amino acid residue is found in multiple mammalian species, suggesting that this missense change does not adversely affect protein function. These predictions have not been confirmed by published functional studies and their clinical significance is uncertain. This variant has not been reported in the literature in individuals with IFIH1-related conditions. This variant is not present in population databases (ExAC no frequency). This sequence change replaces histidine with glutamine at codon 72 of the IFIH1 protein (p.His72Gln). The histidine residue is weakly conserved and there is a small physicochemical difference between histidine and glutamine.

NM_022168.4(IFIH1):c.216C>A (p.His72Gln)

Gene: IFIH1 (interferon induced with helicase C domain 1; minus strand). Cytogenetic location: 2q24.2.
Variant type: single nucleotide variant.
Coding change: c.216C>A on transcript NM_022168.4 (MANE Select); coding-DNA position 216, C replaced by A.
Protein change: p.His72Gln; replaces histidine 72 with glutamine.
Molecular consequence: missense variant.
Genome position (GRCh38, 1-based): chr2:162,318,092, G>T on the plus strand (C>A on the coding strand, the complement: IFIH1 is on the minus strand). VCF-style: chr2-162318092-G-T. GRCh37 (hg19) VCF-style: chr2-163174602-G-T.
Other names: c.216C>A (NM_022168.2); short protein forms H72Q.
Identifiers: ClinVar variation 966822 (VCV000966822.11), dbSNP rs774025268, ClinGen allele CA349013842.